The following is an entry in ClinVar:

ClinVar aggregate classification (germline): Uncertain significance. Review status: criteria provided, multiple submitters, no conflicts (2 of 4 stars). 2 submissions from 2 submitters: Uncertain significance (2). Last evaluated 2025-07-14.

Conditions:
Hereditary nonpolyposis colorectal neoplasms. Identifiers: MedGen C0009405, MeSH D003123.
Hereditary cancer-predisposing syndrome. Also called: Hereditary Cancer Syndrome; Tumor predisposition; Neoplastic Syndromes, Hereditary; Hereditary neoplastic syndrome. Identifiers: Orphanet 140162, MedGen C0027672, MeSH D009386, MONDO:0015356.

Submissions (2):

Ambry Genetics
Classification: Uncertain significance for Hereditary cancer-predisposing syndrome. Last evaluated: 2025-07-14. Review status: criteria provided, single submitter. Criteria: Ambry Variant Classification Scheme 2023. Collection method: clinical testing. Allele origin: germline.
Comment: The p.V561I variant (also known as c.1681G>A), located in coding exon 4 of the MSH6 gene, results from a G to A substitution at nucleotide position 1681. The valine at codon 561 is replaced by isoleucine, an amino acid with highly similar properties. This amino acid position is well conserved in available vertebrate species. In addition, this alteration is predicted to be tolerated by in silico analysis. Based on the available evidence, the clinical significance of this variant remains unclear.

Labcorp Genetics (formerly Invitae), Labcorp
Classification: Uncertain significance for Hereditary nonpolyposis colorectal neoplasms. Last evaluated: 2023-09-12. Review status: criteria provided, single submitter. Criteria: Invitae Variant Classification Sherloc (09022015). Collection method: clinical testing. Allele origin: germline.
Comment: In summary, the available evidence is currently insufficient to determine the role of this variant in disease. Therefore, it has been classified as a Variant of Uncertain Significance. Advanced modeling of protein sequence and biophysical properties (such as structural, functional, and spatial information, amino acid conservation, physicochemical variation, residue mobility, and thermodynamic stability) performed at Invitae indicates that this missense variant is not expected to disrupt MSH6 protein function. ClinVar contains an entry for this variant (Variation ID: 2099630). This variant has not been reported in the literature in individuals affected with MSH6-related conditions. This variant is not present in population databases (gnomAD no frequency). This sequence change replaces valine, which is neutral and non-polar, with isoleucine, which is neutral and non-polar, at codon 561 of the MSH6 protein (p.Val561Ile).

NM_000179.3(MSH6):c.1681G>A (p.Val561Ile)

Gene: MSH6 (mutS homolog 6; plus strand). Cytogenetic location: 2p16.3.
Variant type: single nucleotide variant.
Coding change: c.1681G>A on transcript NM_000179.3 (MANE Select); coding-DNA position 1681, G replaced by A.
Protein change: p.Val561Ile; replaces valine 561 with isoleucine.
Molecular consequence: missense variant.
Genome position (GRCh38, 1-based): chr2:47,799,664, G>A. VCF-style: chr2-47799664-G-A. GRCh37 (hg19) VCF-style: chr2-48026803-G-A.
Other names: c.1291G>A, p.Val431Ile (NM_001281492.2); c.775G>A, p.Val259Ile (NM_001281493.2, NM_001281494.2, NM_001406811.1 and 6 more transcripts); c.1777G>A, p.Val593Ile (NM_001406795.1, NM_001406802.1); c.1681G>A, p.Val561Ile (NM_001406796.1, NM_001406798.1, NM_001406800.1 and 3 more transcripts); c.1384G>A, p.Val462Ile (NM_001406797.1, NM_001406801.1, NM_001406805.1 and 10 more transcripts); c.1156G>A, p.Val386Ile (NM_001406799.1, NM_001406806.1, NM_001406807.1); c.1603G>A, p.Val535Ile (NM_001406804.1); c.1687G>A, p.Val563Ile (NM_001406813.1); and 1 more; short protein forms V386I, V431I, V505I, V561I, V563I, V259I, V462I, V535I.
Identifiers: ClinVar variation 2099630 (VCV002099630.7), dbSNP rs1553413057, ClinGen allele CA346747478.